The following is an entry in ClinVar:

ClinVar aggregate classification (germline): Conflicting classifications of pathogenicity. Review status: criteria provided, conflicting classifications (1 of 4 stars). 2 submissions from 2 submitters: Uncertain significance (1); Likely benign (1). Last evaluated 2025-09-01.

Conditions:
Charcot-Marie-Tooth disease axonal type 2O. Also called: Charcot-Marie-Tooth disease, axonal, type 20; CHARCOT-MARIE-TOOTH NEUROPATHY, AXONAL, TYPE 2O; CHARCOT-MARIE-TOOTH DISEASE, AXONAL, AUTOSOMAL DOMINANT, TYPE 2O; Charcot-Marie-Tooth Neuropathy Type 2O. Identifiers: Orphanet 284232, MedGen C3280220, MONDO:0013644, OMIM 614228.

Allele frequency attached by ClinVar (database versions not stated): ExAC 0.00001; gnomAD exomes 0.00001; gnomAD 0.00002; TOPMed 0.00002.
gnomAD v4.1: 15 of 1,613,956 alleles (0.00093%); highest among the groups gnomAD compares: South Asian, 0.0066%; no homozygotes.

Submissions (2):

CeGaT Center for Human Genetics Tuebingen
Classification: Uncertain significance. Last evaluated: 2025-09-01. Review status: criteria provided, single submitter. Criteria: CeGaT Center For Human Genetics Tuebingen Variant Classification Criteria Version 2. Collection method: clinical testing. Allele origin: germline. Affected: yes. Observed: 1 variant allele.
Comment: DYNC1H1: PP2

Labcorp Genetics (formerly Invitae), Labcorp
Classification: Likely benign for Charcot-Marie-Tooth disease axonal type 2O. Last evaluated: 2025-04-07. Review status: criteria provided, single submitter. Criteria: Invitae Variant Classification Sherloc (09022015). Collection method: clinical testing. Allele origin: germline.

NM_001376.5(DYNC1H1):c.8291C>T (p.Thr2764Met)

Gene: DYNC1H1 (dynein cytoplasmic 1 heavy chain 1; plus strand). Cytogenetic location: 14q32.31.
Variant type: single nucleotide variant.
Coding change: c.8291C>T on transcript NM_001376.5 (MANE Select); coding-DNA position 8291, C replaced by T.
Protein change: p.Thr2764Met; replaces threonine 2764 with methionine.
Molecular consequence: missense variant.
Genome position (GRCh38, 1-based): chr14:102,018,564, C>T. VCF-style: chr14-102018564-C-T. GRCh37 (hg19) VCF-style: chr14-102484901-C-T.
Other names: short protein forms T2764M.
Identifiers: ClinVar variation 1436174 (VCV001436174.15), dbSNP rs781036111, ClinGen allele CA7352989.